The following is an entry in ClinVar:

ClinVar aggregate classification (germline): Uncertain significance (1 of 4 stars; one submission).

Submission:

GeneDx
Classification: Uncertain significance. Last evaluated: 2026-01-25. Review status: criteria provided, single submitter. Criteria: GeneDx Variant Classification Process June 2021. Collection method: clinical testing. Allele origin: germline.
Comment: Not observed at significant frequency in large population cohorts (gnomAD); In silico analysis suggests that this missense variant does not alter protein structure/function; Has not been previously published as pathogenic or benign to our knowledge

NM_001012426.2(FOXP4):c.847A>C (p.Thr283Pro)

Gene: FOXP4 (forkhead box P4; plus strand). Cytogenetic location: 6p21.1.
Variant type: single nucleotide variant.
Coding change: c.847A>C on transcript NM_001012426.2 (MANE Select); coding-DNA position 847, A replaced by C.
Protein change: p.Thr283Pro; replaces threonine 283 with proline.
Molecular consequence: missense variant.
Genome position (GRCh38, 1-based): chr6:41,587,487, A>C. VCF-style: chr6-41587487-A-C. GRCh37 (hg19) VCF-style: chr6-41555225-A-C.
Other names: c.841A>C, p.Thr281Pro (NM_001012427.2); c.847A>C, p.Thr283Pro (NM_001405824.1); c.751A>C, p.Thr251Pro (NM_001405825.1, NM_001405826.1); c.844A>C, p.Thr282Pro (NM_138457.3); short protein forms T251P, T281P, T282P, T283P.
Identifiers: ClinVar variation 3392812 (VCV003392812.2).
Genomic context (GRCh38, chr6:41,587,487, plus strand): 5'-GCCGCTCCCCCCAAGGTCTCACCCCCCCTCTCCCACCATACCCTGCCCAACGGACAGCCT[A>C]CTGTGCTCACATCTCGGAGAGACAGGTACAGGGGTCCAGGCTGGGAGGGGCATCAAAGGC-3'
Protein context (NP_001012426.1, residues 273-293): SHHTLPNGQP[Thr283Pro]VLTSRRDSSS